The following is an entry in ClinVar:

ClinVar aggregate classification (germline): Conflicting classifications of pathogenicity. Review status: criteria provided, conflicting classifications (1 of 4 stars). 11 submissions from 11 submitters: Uncertain significance (3); Likely benign (7). 1 of the submissions does not count toward it. Last evaluated 2026-01-19.

Conditions:
Cardiovascular phenotype. Identifiers: MedGen CN230736.
Glycogen storage disease, type II (IOPD). Also called: Acid maltase deficiency disease; Aglucosidase alfa; Deficiency of alpha-glucosidase; Deficiency of lysosomal alpha-glucosidase; POMPE DISEASE, INFANTILE-ONSET; GLYCOGEN STORAGE DISEASE II, INFANTILE-ONSET. Identifiers: Orphanet 365, MedGen C0017921, MONDO:0009290, OMIM 232300.

Allele frequency attached by ClinVar (database versions not stated): gnomAD 0.00006; TOPMed 0.00006; ExAC 0.00007; gnomAD exomes 0.00008 and 0.00012.
gnomAD v4.1: 189 of 1,613,200 alleles (0.012%); highest among the groups gnomAD compares: Non-Finnish European, 0.014%; no homozygotes.

Submissions (11):

Labcorp Genetics (formerly Invitae), Labcorp
Classification: Likely benign for Glycogen storage disease, type II. Last evaluated: 2026-01-19. Review status: criteria provided, single submitter. Criteria: Invitae Variant Classification Sherloc (09022015). Collection method: clinical testing. Allele origin: germline.

Blueprint Genetics
Classification: Likely benign. Last evaluated: 2024-11-01. Review status: criteria provided, single submitter. Criteria: ACMG Guidelines, 2015. Collection method: clinical testing. Allele origin: germline.

CeGaT Center for Human Genetics Tuebingen
Classification: Likely benign. Last evaluated: 2022-06-01. Review status: criteria provided, single submitter. Criteria: CeGaT Center For Human Genetics Tuebingen Variant Classification Criteria Version 2. Collection method: clinical testing. Allele origin: germline. Affected: yes. Observed: 1 variant allele.
Comment: GAA: BP4, BP7

Ambry Genetics
Classification: Likely benign for Cardiovascular phenotype. Last evaluated: 2022-02-16. Review status: criteria provided, single submitter. Criteria: Ambry Variant Classification Scheme 2023. Collection method: clinical testing. Allele origin: germline.

Genome-Nilou Lab
Classification: Uncertain significance for Glycogen storage disease, type II. Last evaluated: 2021-07-22. Review status: criteria provided, single submitter. Criteria: ACMG Guidelines, 2015. Collection method: clinical testing. Allele origin: germline. Affected: no.

Broad Center for Mendelian Genomics, Broad Institute of MIT and Harvard
Classification: Likely benign for Glycogen storage disease, type II. Last evaluated: 2020-01-22. Review status: criteria provided, single submitter. Criteria: ACMG Guidelines, 2015. Collection method: curation. Allele origin: germline. Inheritance: Autosomal recessive inheritance.
Comment: The c.1356C>T (p.Ala452=) variant in GAA has not been previously reported in individuals with Glycogen Storage Disease II but has been reported as a VUS by EGL Genetic Diagnostics and Blueprint Genetics and likely benign by GeneDx in ClinVar (Variation ID: 286268). This variant has been identified in 0.014% (5/35404) of Latino chromosomes and 0.010% (13/128368) of European (non-Finnish) chromosomes by the Genome Aggregation Database (gnomAD; dbSNP rs757893858). Although this variant has been seen in the general population, its frequency is low enough to be consistent with a recessive carrier frequency. Computational prediction tools and conservation analyses suggest that this variant may not impact the protein, though this information is not predictive enough to rule out pathogenicity. However, novel synonymous variants supported by computational evidence without raised suspicion for an impact are likely benign (Richards 2015). In summary, although additional studies are required to fully establish its clinical significance, this variant is likely benign. ACMG/AMP Criteria applied: PM2, BP4, BP7 (Richards 2015).

GeneDx
Classification: Likely benign. Last evaluated: 2019-06-19. Review status: criteria provided, single submitter. Criteria: GeneDx Variant Classification Process June 2021. Collection method: clinical testing. Allele origin: germline. Affected: yes.

ARUP Laboratories, Molecular Genetics and Genomics, ARUP Laboratories
Classification: Likely benign for Glycogen storage disease, type II. Last evaluated: 2019-05-03. Review status: criteria provided, single submitter. Criteria: ARUP Molecular Germline Variant Investigation Process. Collection method: clinical testing. Allele origin: germline.

Illumina Laboratory Services, Illumina
Classification: Uncertain significance for Glycogen storage disease, type II. Last evaluated: 2017-04-28. Review status: criteria provided, single submitter. Criteria: ICSL Variant Classification Criteria 13 December 2019. Collection method: clinical testing. Allele origin: germline.

Eurofins Ntd Llc (ga)
Classification: Uncertain significance. Last evaluated: 2016-02-16. Review status: criteria provided, single submitter. Criteria: EGL Classification Definitions 2015. Collection method: clinical testing. Allele origin: germline. Observed: 2 variant alleles, 2 heterozygotes.

Natera, Inc.
Classification: Uncertain significance for Glycogen storage disease type II. Last evaluated: 2020-01-24. Review status: no assertion criteria provided. Collection method: clinical testing. Allele origin: germline. Not counted in ClinVar's aggregate classification.

NM_000152.5(GAA):c.1356C>T (p.Ala452=)

Gene: GAA (alpha glucosidase; plus strand). Cytogenetic location: 17q25.3.
Variant type: single nucleotide variant.
Coding change: c.1356C>T on transcript NM_000152.5 (MANE Select); coding-DNA position 1356, C replaced by T.
Protein change: p.Ala452=; no amino-acid change (alanine 452 retained).
Molecular consequence: synonymous variant.
Genome position (GRCh38, 1-based): chr17:80,109,974, C>T. VCF-style: chr17-80109974-C-T. GRCh37 (hg19) VCF-style: chr17-78083773-C-T.
Other names: c.1356C>T, p.Ala452= (NM_001079803.3, NM_001079804.3); c.1356C>T (LRG_673t1).
Identifiers: ClinVar variation 286268 (VCV000286268.59), dbSNP rs757893858, ClinGen allele CA8815296.